The following is an entry in ClinVar:

ClinVar aggregate classification (germline): Uncertain significance (1 of 4 stars; one submission).

Allele frequency attached by ClinVar (database versions not stated): TOPMed below 0.00001; gnomAD 0.00001.
gnomAD v4.1: 2 of 1,614,050 alleles (0.00012%); highest among the groups gnomAD compares: African/African-American, 0.0013%; no homozygotes.

Submission:

GeneDx
Classification: Uncertain significance. Last evaluated: 2022-02-17. Review status: criteria provided, single submitter. Criteria: GeneDx Variant Classification Process June 2021. Collection method: clinical testing. Allele origin: germline. Affected: yes.
Comment: Not observed at significant frequency in large population cohorts (gnomAD); In silico analysis supports that this missense variant does not alter protein structure/function; Has not been previously published as pathogenic or benign to our knowledge

NM_018489.3(ASH1L):c.793A>G (p.Ile265Val)

Gene: ASH1L (ASH1 like histone lysine methyltransferase; minus strand). Cytogenetic location: 1q22.
Variant type: single nucleotide variant.
Coding change: c.793A>G on transcript NM_018489.3 (MANE Select); coding-DNA position 793, A replaced by G.
Protein change: p.Ile265Val; replaces isoleucine 265 with valine.
Molecular consequence: missense variant.
Genome position (GRCh38, 1-based): chr1:155,482,077, T>C on the plus strand (A>G on the coding strand, the complement: ASH1L is on the minus strand). VCF-style: chr1-155482077-T-C. GRCh37 (hg19) VCF-style: chr1-155451868-T-C.
Other names: c.793A>G, p.Ile265Val (NM_001366177.2); short protein forms I265V.
Identifiers: ClinVar variation 1702723 (VCV001702723.2), dbSNP rs1665996388, ClinGen allele CA342740915.